The following is an entry in ClinVar:

NM_000458.4(HNF1B):c.1450C>T (p.Gln484Ter)

Gene: HNF1B (HNF1 homeobox B; minus strand). Cytogenetic location: 17q12.
Variant type: single nucleotide variant.
Coding change: c.1450C>T on transcript NM_000458.4 (MANE Select); coding-DNA position 1450, C replaced by T.
Protein change: p.Gln484Ter; replaces glutamine 484 with a stop codon.
Molecular consequence: nonsense. On other transcripts: intron variant (1).
Genome position (GRCh38, 1-based): chr17:37,701,067, G>A on the plus strand (C>T on the coding strand, the complement: HNF1B is on the minus strand). VCF-style: chr17-37701067-G-A. GRCh37 (hg19) VCF-style: chr17-36061072-G-A.
Other names: c.1372C>T, p.Gln458Ter (NM_001165923.4); c.1450C>T, p.Gln484Ter (NM_001411100.1); c.1261+3850C>T (NM_001304286.2); short protein forms Q458*, Q484*.
Identifiers: ClinVar variation 4070884 (VCV004070884.1).
Genomic context (GRCh38, chr17:37,701,067, plus strand): 5'-CAGCTGCCATGAAGGGCTGCTGGGCCATGTGGCTGCCTGGGCTCTGCTGCATGAGGGGCT[G>A]CTGGTGAGGGCTGTGCAGCTGCTGGGAGAACTGGACGGGCTGCAGGGCTGCCAGGCTGCC-3'

ClinVar aggregate classification (germline): Likely pathogenic (1 of 4 stars; one submission).

Submission:

GeneDx
Classification: Likely pathogenic. Last evaluated: 2025-01-17. Review status: criteria provided, single submitter. Criteria: GeneDx Variant Classification Process June 2021. Collection method: clinical testing. Allele origin: germline. Affected: yes.
Comment: Nonsense variant predicted to result in protein truncation or nonsense mediated decay in a gene for which loss of function is a known mechanism of disease; Not observed at significant frequency in large population cohorts (gnomAD); Has not been previously published as pathogenic or benign to our knowledge